The following is an entry in ClinVar:

NM_001042492.3(NF1):c.6180dup (p.Thr2061fs)

Gene: NF1 (neurofibromin 1; plus strand). Cytogenetic location: 17q11.2.
Variant type: Duplication.
Coding change: c.6180dup on transcript NM_001042492.3 (MANE Select); coding-DNA position 6180, one base duplicated (G; older notation c.6180dupG).
Protein change: p.Thr2061fs; shifts the reading frame from threonine 2061.
Molecular consequence: frameshift variant.
Genome position (GRCh38, 1-based): chr17:31,336,667, G duplicated. VCF-style (leftmost placement, unchanged base first): chr17-31336666-A-AG. GRCh37 (hg19) VCF-style: chr17-29663684-A-AG.
Other names: c.6117dup, p.Thr2040fs (NM_000267.4); short protein forms T2040fs, T2061fs.
Identifiers: ClinVar variation 4823931 (VCV004823931.1).
Genomic context (GRCh38, chr17:31,336,666, plus strand): 5'-TTAAAAAAAAAAATCCTGCTTCTTTACAGGTTATTGGAAGGATGTGCAAAATAATTGACA[A>AG]GACATGCTTATCTCCAACTCCTACTTTAGAACAACATCTTATGTGGGATGATATTGCTAT-3'

ClinVar aggregate classification (germline): Pathogenic (1 of 4 stars; one submission).

Conditions:
Neurofibromatosis, type 1 (NF1). Also called: VON RECKLINGHAUSEN DISEASE; Peripheral type neurofibromatosis; NEUROFIBROMATOSIS, TYPE I, SOMATIC; Neurofibromatosis, type I. Identifiers: Orphanet 636, MedGen C0027831, MONDO:0018975, OMIM 162200. Disease mechanism: loss of function.

Submission:

Department of Genetics, Sultan Qaboos University Hospital
Classification: Pathogenic for Neurofibromatosis, type 1. Last evaluated: 2026-04-01. Review status: criteria provided, single submitter. Criteria: ACMG Guidelines, 2015. Collection method: clinical testing. Allele origin: germline. Affected: yes. Observed: 1 variant allele.
Comment: PVS1,PM2